The following is an entry in ClinVar:

NM_001365999.1(SZT2):c.3706C>T (p.Arg1236Trp)

Gene: SZT2 (SZT2 subunit of KICSTOR complex; plus strand). Cytogenetic location: 1p34.2.
Variant type: single nucleotide variant.
Coding change: c.3706C>T on transcript NM_001365999.1 (MANE Select); coding-DNA position 3706, C replaced by T.
Protein change: p.Arg1236Trp; replaces arginine 1236 with tryptophan.
Molecular consequence: missense variant.
Genome position (GRCh38, 1-based): chr1:43,427,637, C>T. VCF-style: chr1-43427637-C-T. GRCh37 (hg19) VCF-style: chr1-43893308-C-T.
Other names: c.3535C>T, p.Arg1179Trp (NM_015284.4); short protein forms R1179W, R1236W.
Identifiers: ClinVar variation 1013854 (VCV001013854.6), dbSNP rs765195088, ClinGen allele CA809070.
Genomic context (GRCh38, chr1:43,427,637, plus strand): 5'-TTACAGGCTTACGCTGGGCGTCAGGCTTCCCAGACAGAGAGTGCGGATGGGCCCCGGACC[C>T]GGTGTCCTGTCTACATCTACAGCTGTTCACTGGAAGCGCTGAGGGAACAAATGGTTGGCA-3'
Protein context (NP_001352928.1, residues 1226-1246): QTESADGPRT[Arg1236Trp]CPVYIYSCSL

ClinVar aggregate classification (germline): Uncertain significance (1 of 4 stars; one submission).

Allele frequency attached by ClinVar (database versions not stated): TOPMed below 0.00001; gnomAD exomes 0.00001 and 0.00002; ExAC 0.00002.
gnomAD v4.1: 13 of 1,614,214 alleles (0.00081%); highest among the groups gnomAD compares: East Asian, 0.0022%; no homozygotes.

Submission:

Labcorp Genetics (formerly Invitae), Labcorp
Classification: Uncertain significance. Last evaluated: 2022-02-04. Review status: criteria provided, single submitter. Criteria: Invitae Variant Classification Sherloc (09022015). Collection method: clinical testing. Allele origin: germline.
Comment: This sequence change replaces arginine, which is basic and polar, with tryptophan, which is neutral and slightly polar, at codon 1179 of the SZT2 protein (p.Arg1179Trp). This variant is present in population databases (rs765195088, gnomAD 0.006%). This variant has not been reported in the literature in individuals affected with SZT2-related conditions. ClinVar contains an entry for this variant (Variation ID: 1013854). Algorithms developed to predict the effect of missense changes on protein structure and function (SIFT, PolyPhen-2, Align-GVGD) all suggest that this variant is likely to be disruptive. In summary, the available evidence is currently insufficient to determine the role of this variant in disease. Therefore, it has been classified as a Variant of Uncertain Significance.